The following is an entry in ClinVar:

NM_001330360.2(POLA1):c.3877G>A (p.Gly1293Arg)

Gene: POLA1 (DNA polymerase alpha 1, catalytic subunit; plus strand). Cytogenetic location: Xp22.11.
Variant type: single nucleotide variant.
Coding change: c.3877G>A on transcript NM_001330360.2 (MANE Select); coding-DNA position 3877, G replaced by A.
Protein change: p.Gly1293Arg; replaces glycine 1293 with arginine.
Molecular consequence: missense variant. On other transcripts: non-coding transcript variant (2).
Genome position (GRCh38, 1-based): chrX:24,841,792, G>A. VCF-style: chrX-24841792-G-A. GRCh37 (hg19) VCF-style: chrX-24859909-G-A.
Other names: c.3802G>A, p.Gly1268Arg (NM_001378303.1); c.3859G>A, p.Gly1287Arg (NM_016937.4); short protein forms G1268R, G1287R, G1293R.
Identifiers: ClinVar variation 2069616 (VCV002069616.4), dbSNP rs2518744544, ClinGen allele CA412608223.

ClinVar aggregate classification (germline): Uncertain significance (1 of 4 stars; one submission).

Submission:

Labcorp Genetics (formerly Invitae), Labcorp
Classification: Uncertain significance. Last evaluated: 2022-10-24. Review status: criteria provided, single submitter. Criteria: Invitae Variant Classification Sherloc (09022015). Collection method: clinical testing. Allele origin: germline.
Comment: In summary, the available evidence is currently insufficient to determine the role of this variant in disease. Therefore, it has been classified as a Variant of Uncertain Significance. Advanced modeling of protein sequence and biophysical properties (such as structural, functional, and spatial information, amino acid conservation, physicochemical variation, residue mobility, and thermodynamic stability) performed at Invitae indicates that this missense variant is not expected to disrupt POLA1 protein function. This variant has not been reported in the literature in individuals affected with POLA1-related conditions. This variant is not present in population databases (gnomAD no frequency). This sequence change replaces glycine, which is neutral and non-polar, with arginine, which is basic and polar, at codon 1287 of the POLA1 protein (p.Gly1287Arg).